The following is an entry in ClinVar:

ClinVar aggregate classification (germline): Likely pathogenic (1 of 4 stars; one submission).

Conditions:
Werner syndrome (WRN). Identifiers: Orphanet 902, MedGen C0043119, MONDO:0010196, OMIM 277700.

Submission:

Labcorp Genetics (formerly Invitae), Labcorp
Classification: Likely pathogenic for Werner syndrome. Last evaluated: 2023-06-25. Review status: criteria provided, single submitter. Criteria: Invitae Variant Classification Sherloc (09022015). Collection method: clinical testing. Allele origin: germline.
Comment: In summary, the currently available evidence indicates that the variant is pathogenic, but additional data are needed to prove that conclusively. Therefore, this variant has been classified as Likely Pathogenic. Algorithms developed to predict the effect of sequence changes on RNA splicing suggest that this variant may disrupt the consensus splice site. This variant has not been reported in the literature in individuals affected with WRN-related conditions. This variant is not present in population databases (gnomAD no frequency). This variant results in the deletion of part of exon 12 (c.1432-2_1433del) of the WRN gene. It is expected to disrupt RNA splicing. Variants that disrupt the donor or acceptor splice site typically lead to a loss of protein function (PMID: 16199547), and loss-of-function variants in WRN are known to be pathogenic (PMID: 16673358).

Literature cited by the submitters: PubMed 16199547; PubMed 16673358.

NM_000553.6(WRN):c.1432-2_1433del

Gene: WRN (WRN RecQ like helicase; plus strand). Cytogenetic location: 8p12.
Variant type: Deletion.
Coding change: c.1432-2_1433del on transcript NM_000553.6 (MANE Select); the canonical splice acceptor site of the intron before coding-DNA position 1432 through coding-DNA position 1433, 4 bases deleted (AGTC; older notation c.1432-2_1433delAGTC).
Molecular consequence: splice acceptor variant.
Genome position (GRCh38, 1-based): chr8:31,087,774-31,087,777, AGTC deleted; deleting any 4 consecutive bases within chr8:31,087,772-31,087,777 gives the same sequence; the c. name uses the placement nearest the transcript's 3' end. VCF-style (leftmost placement, unchanged base first): chr8-31087771-TTCAG-T. GRCh37 (hg19) VCF-style: chr8-30945287-TTCAG-T.
Identifiers: ClinVar variation 2728802 (VCV002728802.3), dbSNP rs2535923881, ClinGen allele CA2697549862.
Genomic context (GRCh38, chr8:31,087,771, plus strand): 5'-TGTTTGGTGAAAAAGATACGACACTGTCAGTGGTTTTGCTTTTAAGATTTCTTTTAAACT[TTCAG>T]TCTTTAGAAAACCTCAATAGTGGCACGGTAGAACCAACTCATTCTAAATGCTTAAAAATG-3'